The following is an entry in ClinVar:

NM_001110556.2(FLNA):c.2020A>G (p.Arg674Gly)

Gene: FLNA (filamin A; minus strand). Cytogenetic location: Xq28.
Variant type: single nucleotide variant.
Coding change: c.2020A>G on transcript NM_001110556.2 (MANE Select); coding-DNA position 2020, A replaced by G.
Protein change: p.Arg674Gly; replaces arginine 674 with glycine.
Molecular consequence: missense variant.
Genome position (GRCh38, 1-based): chrX:154,364,528, T>C on the plus strand (A>G on the coding strand, the complement: FLNA is on the minus strand). VCF-style: chrX-154364528-T-C. GRCh37 (hg19) VCF-style: chrX-153592896-T-C.
Other names: c.2020A>G, p.Arg674Gly (NM_001456.4); short protein forms R674G.
Identifiers: ClinVar variation 1439924 (VCV001439924.8), dbSNP rs2067740244, ClinGen allele CA415241073.

ClinVar aggregate classification (germline): Uncertain significance (1 of 4 stars; one submission).

Conditions:
Melnick-Needles syndrome (MNS). Also called: MELNICK-NEEDLES OSTEODYSPLASTY; Melnick-Needles Syndrome (FLNA-MNS); OSTEODYSPLASTY OF MELNICK AND NEEDLES. Identifiers: Orphanet 2484, MedGen C0025237, MONDO:0010650, OMIM 309350.
Frontometaphyseal dysplasia (FMD1). Identifiers: Orphanet 1826, MedGen C0265293, MONDO:0015942.
Heterotopia, periventricular, X-linked dominant (PVNH1). Also called: PERIVENTRICULAR NODULAR HETEROTOPIA 1; X-linked periventricular heterotopia; PERIVENTRICULAR NODULAR HETEROTOPIA 4; HETEROTOPIA, PERIVENTRICULAR, 1. Identifiers: Orphanet 2149, Orphanet 82004, MedGen C1848213, MONDO:0010233, OMIM 300049.
Oto-palato-digital syndrome, type II (OPD2). Also called: FACIOPALATOOSSEOUS SYNDROME; Otopalatodigital Syndrome Type 2 (FLNA-OPD2); OPD II SYNDROME; Otopalatodigital Syndrome, Type II. Identifiers: Orphanet 669, Orphanet 90652, MedGen C1844696, MONDO:0010571, OMIM 304120.

Allele frequency attached by ClinVar (database versions not stated): gnomAD exomes below 0.00001.
gnomAD v4.1: 1 of 1,208,547 alleles (0.000083%); highest among the groups gnomAD compares: East Asian, 0.003%; no homozygotes.

Submission:

Labcorp Genetics (formerly Invitae), Labcorp
Classification: Uncertain significance for Oto-palato-digital syndrome, type II; Heterotopia, periventricular, X-linked dominant; Frontometaphyseal dysplasia; Melnick-Needles syndrome. Last evaluated: 2021-04-14. Review status: criteria provided, single submitter. Criteria: Invitae Variant Classification Sherloc (09022015). Collection method: clinical testing. Allele origin: germline.
Comment: In summary, the available evidence is currently insufficient to determine the role of this variant in disease. Therefore, it has been classified as a Variant of Uncertain Significance. This sequence change replaces arginine with glycine at codon 674 of the FLNA protein (p.Arg674Gly). The arginine residue is moderately conserved and there is a moderate physicochemical difference between arginine and glycine. This variant is not present in population databases (ExAC no frequency). This variant has not been reported in the literature in individuals with FLNA-related conditions. Algorithms developed to predict the effect of missense changes on protein structure and function are either unavailable or do not agree on the potential impact of this missense change (SIFT: "Deleterious"; PolyPhen-2: "Benign"; Align-GVGD: "Class C45").